The following is an entry in ClinVar:

ClinVar aggregate classification (germline): Benign/Likely benign. Review status: criteria provided, multiple submitters, no conflicts (2 of 4 stars). 7 submissions from 7 submitters: Benign (1); Likely benign (3). 3 of the submissions do not count toward it. Last evaluated 2026-06-01.

Conditions:
FAT4-related disorder. Also called: FAT4-related condition.

Allele frequency attached by ClinVar (database versions not stated): 1000 Genomes Project 0.00160; 1000 Genomes Project 30x 0.00172; ExAC 0.00252; gnomAD exomes 0.00258 and 0.00341; gnomAD 0.00273 and 0.00277; TOPMed 0.00285; ESP Exome Variant Server 0.00331.
gnomAD v4.1: 5,430 of 1,614,134 alleles (0.34%); highest among the groups gnomAD compares: Middle Eastern, 1.1%; 16 homozygotes.

Submissions (7):

CeGaT Center for Human Genetics Tuebingen
Classification: Likely benign. Last evaluated: 2026-06-01. Review status: criteria provided, single submitter. Criteria: CeGaT Center For Human Genetics Tuebingen Variant Classification Criteria Version 2. Collection method: clinical testing. Allele origin: germline. Affected: yes. Observed: 13 variant alleles.
Comment: FAT4: BP4, BP7, BS2

Labcorp Genetics (formerly Invitae), Labcorp
Classification: Benign. Last evaluated: 2026-02-03. Review status: criteria provided, single submitter. Criteria: Invitae Variant Classification Sherloc (09022015). Collection method: clinical testing. Allele origin: germline.

GeneDx
Classification: Likely benign. Last evaluated: 2021-09-11. Review status: criteria provided, single submitter. Criteria: GeneDx Variant Classification Process June 2021. Collection method: clinical testing. Allele origin: germline. Affected: yes.

Breakthrough Genomics
Classification: Likely benign. Review status: criteria provided, single submitter. Criteria: ACMG Guidelines, 2015. Collection method: not provided. Allele origin: germline. Inheritance: Autosomal recessive inheritance. Affected: yes.

PreventionGenetics, part of Exact Sciences
Classification: Likely benign for FAT4-related condition. Last evaluated: 2023-01-31. Review status: no assertion criteria provided. Collection method: clinical testing. Allele origin: germline. Not counted in ClinVar's aggregate classification.
Comment: This variant is classified as likely benign based on ACMG/AMP sequence variant interpretation guidelines (Richards et al. 2015 PMID: 25741868, with internal and published modifications).

Clinical Genetics DNA and cytogenetics Diagnostics Lab, Erasmus MC, Erasmus Medical Center
Classification: Likely benign. Review status: no assertion criteria provided. Collection method: clinical testing. Allele origin: germline. Affected: yes. Study: VKGL Data-share Consensus. Not counted in ClinVar's aggregate classification.

Clinical Genetics, Academic Medical Center
Classification: Likely benign. Review status: no assertion criteria provided. Collection method: clinical testing. Allele origin: germline. Affected: yes. Study: VKGL Data-share Consensus. Not counted in ClinVar's aggregate classification.

NM_001291303.3(FAT4):c.13554G>A (p.Leu4518=)

Gene: FAT4 (FAT atypical cadherin 4; plus strand). Cytogenetic location: 4q28.1.
Variant type: single nucleotide variant.
Coding change: c.13554G>A on transcript NM_001291303.3 (MANE Select); coding-DNA position 13554, G replaced by A.
Protein change: p.Leu4518=; no amino-acid change (leucine 4518 retained).
Molecular consequence: synonymous variant.
Genome position (GRCh38, 1-based): chr4:125,490,370, G>A. VCF-style: chr4-125490370-G-A. GRCh37 (hg19) VCF-style: chr4-126411525-G-A.
Other names: c.13551G>A, p.Leu4517= (NM_001291285.3); c.13548G>A, p.Leu4516= (NM_024582.6).
Identifiers: ClinVar variation 385766 (VCV000385766.41), dbSNP rs78235204, ClinGen allele CA3074391.